The following is an entry in ClinVar:

ClinVar aggregate classification (germline): Uncertain significance (1 of 4 stars; one submission).

gnomAD v4.1: 1 of 1,614,144 alleles (0.000062%); highest among the groups gnomAD compares: Non-Finnish European, 0.000085%; no homozygotes.

Submission:

Labcorp Genetics (formerly Invitae), Labcorp
Classification: Uncertain significance. Last evaluated: 2024-02-23. Review status: criteria provided, single submitter. Criteria: Invitae Variant Classification Sherloc (09022015). Collection method: clinical testing. Allele origin: germline.
Comment: This sequence change replaces glycine, which is neutral and non-polar, with arginine, which is basic and polar, at codon 286 of the IDH3B protein (p.Gly286Arg). This variant is not present in population databases (gnomAD no frequency). This variant has not been reported in the literature in individuals affected with IDH3B-related conditions. ClinVar contains an entry for this variant (Variation ID: 1957002). Advanced modeling of protein sequence and biophysical properties (such as structural, functional, and spatial information, amino acid conservation, physicochemical variation, residue mobility, and thermodynamic stability) performed at Invitae indicates that this missense variant is expected to disrupt IDH3B protein function with a positive predictive value of 80%. In summary, the available evidence is currently insufficient to determine the role of this variant in disease. Therefore, it has been classified as a Variant of Uncertain Significance.

NM_006899.5(IDH3B):c.856G>C (p.Gly286Arg)

Gene: IDH3B (isocitrate dehydrogenase (NAD(+)) 3 non-catalytic subunit beta; minus strand). Cytogenetic location: 20p13.
Variant type: single nucleotide variant.
Coding change: c.856G>C on transcript NM_006899.5 (MANE Select); coding-DNA position 856, G replaced by C.
Protein change: p.Gly286Arg; replaces glycine 286 with arginine.
Molecular consequence: missense variant. On other transcripts: non-coding transcript variant (1).
Genome position (GRCh38, 1-based): chr20:2,660,089, C>G on the plus strand (G>C on the coding strand, the complement: IDH3B is on the minus strand). VCF-style: chr20-2660089-C-G. GRCh37 (hg19) VCF-style: chr20-2640735-C-G.
Other names: c.856G>C, p.Gly286Arg (NM_001258384.3, NM_001330763.2, NM_174855.4); short protein forms G286R.
Identifiers: ClinVar variation 1957002 (VCV001957002.5), dbSNP rs747063839, ClinGen allele CA408035437.